The following is an entry in ClinVar:

ClinVar aggregate classification (germline): Uncertain significance (1 of 4 stars; one submission).

Submission:

Labcorp Genetics (formerly Invitae), Labcorp
Classification: Uncertain significance. Last evaluated: 2024-08-29. Review status: criteria provided, single submitter. Criteria: Invitae Variant Classification Sherloc (09022015). Collection method: clinical testing. Allele origin: germline.
Comment: This variant, c.3593_3595del, results in the deletion of 1 amino acid(s) of the TAOK2 protein (p.Leu1198del), but otherwise preserves the integrity of the reading frame. This variant is not present in population databases (gnomAD no frequency). This variant has not been reported in the literature in individuals affected with TAOK2-related conditions. Experimental studies and prediction algorithms are not available or were not evaluated, and the functional significance of this variant is currently unknown. In summary, the available evidence is currently insufficient to determine the role of this variant in disease. Therefore, it has been classified as a Variant of Uncertain Significance.

NM_016151.4(TAOK2):c.3590TAC[1] (p.Leu1198del)

Gene: TAOK2 (TAO kinase 2; plus strand). Cytogenetic location: 16p11.2.
Variant type: Microsatellite.
Coding change: c.3590TAC[1] on transcript NM_016151.4 (MANE Select); one copy of the 3-base unit TAC starting at c.3590; the reference has two copies in a row; one copy, 3 bases deleted.
Protein change: p.Leu1198del; deletes leucine 1198.
Molecular consequence: intron variant (on NM_004783.4).
Genome position (GRCh38, 1-based): chr16:29,987,865-29,987,867, TAC deleted; deleting any 3 consecutive bases within chr16:29,987,861-29,987,867 gives the same sequence; the position shown is the placement nearest the transcript's 3' end. VCF-style (leftmost placement, unchanged base first): chr16-29987860-GCTA-G. GRCh37 (hg19) VCF-style: chr16-29999181-GCTA-G.
Other names: c.3251TAC[1], p.Leu1085del (NM_001252043.2); c.2232+1361_2232+1363del (NM_004783.4); short protein forms L1085del, L1198del.
Identifiers: ClinVar variation 3698276 (VCV003698276.2).
Genomic context (GRCh38, chr16:29,987,860, plus strand): 5'-CATCCACACACTGGCCAGCTGGGGCCTGCTTCGGGGTGAACGGCCCACCCGAATCCCCCG[GCTA>G]CTACCACGCAGCCAGCGCCAGCTAGGGCCCCCTGCCTCCCGCCAGCCACTGCCAGGGACT-3'